The following is an entry in ClinVar:

NM_002181.4(IHH):c.565_567dup (p.Ser189dup)

Gene: IHH (Indian hedgehog signaling molecule; minus strand). Cytogenetic location: 2q35.
Variant type: Duplication.
Coding change: c.565_567dup on transcript NM_002181.4 (MANE Select); coding-DNA positions 565 to 567, 3 bases duplicated (TCC; older notation c.565_567dupTCC).
Protein change: p.Ser189dup; duplicates serine 189.
Molecular consequence: inframe insertion.
Genome position (GRCh38, 1-based): chr2:219,057,443-219,057,445, GGA duplicated on the plus strand (TCC on the coding strand, the reverse complement: IHH is on the minus strand); duplicating any 3 consecutive bases within chr2:219,057,443-219,057,446 gives the same sequence; the c. name uses the placement nearest the transcript's 3' end. VCF-style (leftmost placement, unchanged base first): chr2-219057442-C-CGGA. GRCh37 (hg19) VCF-style: chr2-219922164-C-CGGA.
Identifiers: ClinVar variation 929711 (VCV000929711.2), dbSNP rs1948841364, ClinGen allele CA1139657698.
Genomic context (GRCh38, chr2:219,057,442, plus strand): 5'-CCCATGCCCTGCGGCCCCGGCCCCGGGCCCAGCCCCCCGGCGGCGGCTCACCGGACTTGA[C>CGGA]GGAGCAATGCACGTGGGCCTTTGACTCGTAATACACCCAGTCAAAGCCGGCCTCCACTGC-3'

ClinVar aggregate classification (germline): Likely pathogenic (1 of 4 stars; one submission).

Conditions:
Brachydactyly type A1. Also called: FARABEE-TYPE BRACHYDACTYLY; SHORT STATURE WITH NONSPECIFIC SKELETAL ABNORMALITIES 2. Identifiers: Orphanet 93388, MedGen C1862151, MONDO:0007215, OMIM 112500, HP:0009371.

Submission:

Wanghongyan lab, Fudan University
Classification: Likely pathogenic for Brachydactyly type A1. Last evaluated: 2020-03-23. Review status: criteria provided, single submitter. Criteria: ACMG Guidelines, 2015. Collection method: clinical testing. Allele origin: paternal. Inheritance: Autosomal dominant inheritance. Affected: yes. Observed: 2 heterozygotes. Clinical features observed: Cone-shaped epiphysis of the thumb (HP:0009688), Mild short stature (HP:0003502), Cone-shaped epiphyses of the 5th finger (HP:0009384), Brachydactyly type A1 (HP:0009371), Delayed skeletal maturation (HP:0002750), Disproportionate short stature (HP:0003498).
Comment: The p.Ser189dup in IHH hasn't been reported before. We discovered it in one family from a Chinese cohort contains 1135 unrelated short stature patients. This family includes five generations and 27 family members. There are nine members shown BDA1 phenotype(two of them have genotype data). This variant was absent from ExAC, 1000 Genomes data, and 592 Chinese controls. The p.Ser189dup was classified as "Likely Pathogenic" using the ACMG/AMP standards(PM1+PM2+PM4+PP4).